The following is an entry in ClinVar:

NM_000883.4(IMPDH1):c.1345G>A (p.Asp449Asn)

Gene: IMPDH1 (inosine monophosphate dehydrogenase 1; minus strand). Cytogenetic location: 7q32.1.
Variant type: single nucleotide variant.
Coding change: c.1345G>A on transcript NM_000883.4 (MANE Select); coding-DNA position 1345, G replaced by A.
Protein change: p.Asp449Asn; replaces aspartic acid 449 with asparagine.
Molecular consequence: missense variant.
Genome position (GRCh38, 1-based): chr7:128,395,191, C>T on the plus strand (G>A on the coding strand, the complement: IMPDH1 is on the minus strand). VCF-style: chr7-128395191-C-T. GRCh37 (hg19) VCF-style: chr7-128035245-C-T.
Other names: c.1345G>A (NM_000883.3); c.1315G>A, p.Asp439Asn (NM_001102605.2); c.1090G>A, p.Asp364Asn (NM_001142573.2); c.1075G>A, p.Asp359Asn (NM_001142574.2); c.1015G>A, p.Asp339Asn (NM_001142575.2); c.1246G>A, p.Asp416Asn (NM_001142576.2); c.1138G>A, p.Asp380Asn (NM_001304521.2); c.1237G>A, p.Asp413Asn (NM_183243.3); short protein forms D339N, D359N, D364N, D380N, D413N, D416N, D439N, D449N.
Identifiers: ClinVar variation 1014584 (VCV001014584.11), dbSNP rs1419426957, ClinGen allele CA369163605.

ClinVar aggregate classification (germline): Uncertain significance. Review status: criteria provided, multiple submitters, no conflicts (2 of 4 stars). 2 submissions from 2 submitters: Uncertain significance (2). Last evaluated 2025-06-17.

Conditions:
Inborn genetic diseases. Identifiers: MedGen C0950123, MeSH D030342.

Allele frequency attached by ClinVar (database versions not stated): gnomAD exomes below 0.00001; TOPMed below 0.00001; gnomAD 0.00001.
gnomAD v4.1: 3 of 1,613,900 alleles (0.00019%); highest among the groups gnomAD compares: Non-Finnish European, 0.00017%; no homozygotes.

Submissions (2):

Ambry Genetics
Classification: Uncertain significance for Inborn genetic diseases. Last evaluated: 2025-06-17. Review status: criteria provided, single submitter. Criteria: Ambry Variant Classification Scheme 2023. Collection method: clinical testing. Allele origin: germline.

Labcorp Genetics (formerly Invitae), Labcorp
Classification: Uncertain significance. Last evaluated: 2022-10-23. Review status: criteria provided, single submitter. Criteria: Invitae Variant Classification Sherloc (09022015). Collection method: clinical testing. Allele origin: germline.
Comment: In summary, the available evidence is currently insufficient to determine the role of this variant in disease. Therefore, it has been classified as a Variant of Uncertain Significance. Algorithms developed to predict the effect of missense changes on protein structure and function are either unavailable or do not agree on the potential impact of this missense change (SIFT: "Deleterious"; PolyPhen-2: "Probably Damaging"; Align-GVGD: "Class C15"). ClinVar contains an entry for this variant (Variation ID: 1014584). This variant has not been reported in the literature in individuals affected with IMPDH1-related conditions. This variant is not present in population databases (gnomAD no frequency). This sequence change replaces aspartic acid, which is acidic and polar, with asparagine, which is neutral and polar, at codon 449 of the IMPDH1 protein (p.Asp449Asn).